The following is an entry in ClinVar:

ClinVar aggregate classification (germline): Likely benign. Review status: criteria provided, multiple submitters, no conflicts (2 of 4 stars). 2 submissions from 2 submitters: Likely benign (2). Last evaluated 2024-07-01.

gnomAD v4.1: 3 of 1,614,220 alleles (0.00019%); highest among the groups gnomAD compares: African/African-American, 0.0013%; no homozygotes.

Submissions (2):

CeGaT Center for Human Genetics Tuebingen
Classification: Likely benign. Last evaluated: 2024-07-01. Review status: criteria provided, single submitter. Criteria: CeGaT Center For Human Genetics Tuebingen Variant Classification Criteria Version 2. Collection method: clinical testing. Allele origin: germline. Affected: yes. Observed: 1 variant allele.
Comment: HSPG2: PM2:Supporting, BP4, BP7

Labcorp Genetics (formerly Invitae), Labcorp
Classification: Likely benign. Last evaluated: 2024-05-27. Review status: criteria provided, single submitter. Criteria: Invitae Variant Classification Sherloc (09022015). Collection method: clinical testing. Allele origin: germline.

NM_005529.7(HSPG2):c.9273C>T (p.Cys3091=)

Gene: HSPG2 (heparan sulfate proteoglycan 2; minus strand). Cytogenetic location: 1p36.12.
Variant type: single nucleotide variant.
Coding change: c.9273C>T on transcript NM_005529.7 (MANE Select); coding-DNA position 9273, C replaced by T.
Protein change: p.Cys3091=; no amino-acid change (cysteine 3091 retained).
Molecular consequence: synonymous variant.
Genome position (GRCh38, 1-based): chr1:21,841,594, G>A on the plus strand (C>T on the coding strand, the complement: HSPG2 is on the minus strand). VCF-style: chr1-21841594-G-A. GRCh37 (hg19) VCF-style: chr1-22168087-G-A.
Other names: c.9276C>T, p.Cys3092= (NM_001291860.2).
Identifiers: ClinVar variation 3257012 (VCV003257012.19).